The following is an entry in ClinVar:

NC_000022.10:g.(?_29105984)_(29115483_?)dup

Gene: CHEK2 (checkpoint kinase 2; minus strand). Cytogenetic location: 22q12.1.
Variant type: Duplication.
Identifiers: ClinVar variation 583911 (VCV000583911.7).

ClinVar aggregate classification (germline): Likely pathogenic (1 of 4 stars; one submission).

Conditions:
Familial cancer of breast. Also called: Hereditary breast cancer; hereditary breast carcinoma; BREAST CANCER, FAMILIAL. Identifiers: Orphanet 227535, MedGen C0346153, MONDO:0016419, OMIM 114480. Disease mechanism: loss of function.

Submission:

Labcorp Genetics (formerly Invitae), Labcorp
Classification: Likely pathogenic for Familial cancer of breast. Last evaluated: 2022-08-23. Review status: criteria provided, single submitter. Criteria: Invitae Variant Classification Sherloc (09022015). Collection method: clinical testing. Allele origin: germline.
Comment: In summary, the currently available evidence indicates that the variant is pathogenic, but additional data are needed to prove that conclusively. Therefore, this variant has been classified as Likely Pathogenic. This variant has not been reported in the literature in individuals affected with CHEK2-related conditions. This variant results in a copy number gain of the genomic region encompassing exon(s) 5-7 of the CHEK2 gene. While the exact position of this variant cannot be determined from the data, sub-genic copy number gains are generally in tandem (PMID: 25640679). This variant is predicted to be out-of-frame, and may result in an absent or disrupted protein product. Loss-of-function variants in CHEK2 are known to be pathogenic (PMID: 21876083, 24713400).

Literature cited by the submitters: PubMed 25640679; PubMed 21876083; PubMed 24713400.